The following is an entry in ClinVar:

NM_022124.6(CDH23):c.4389C>T (p.Ile1463=)

Gene: CDH23 (cadherin related 23; plus strand). Cytogenetic location: 10q22.1.
Variant type: single nucleotide variant.
Coding change: c.4389C>T on transcript NM_022124.6 (MANE Select); coding-DNA position 4389, C replaced by T.
Protein change: p.Ile1463=; no amino-acid change (isoleucine 1463 retained).
Molecular consequence: synonymous variant.
Genome position (GRCh38, 1-based): chr10:71,739,673, C>T. VCF-style: chr10-71739673-C-T. GRCh37 (hg19) VCF-style: chr10-73499430-C-T.
Other names: c.4389C>T (NM_022124.5).
Identifiers: ClinVar variation 1137829 (VCV001137829.8), dbSNP rs753238621, ClinGen allele CA5545034.
Genomic context (GRCh38, chr10:71,739,673, plus strand): 5'-GCTCACCCCTCACCCTCTCTTCTCCCCACAGGTGGTCTTCTCCCTGGCCTCTGGCAACAT[C>T]GCGGGGGCCTTTGAGATCGTCACCACCAATGACTCCATTGGCGAAGTGTTTGTGGCCAGG-3'
Protein context (NP_071407.4, residues 1453-1473): QVVFSLASGN[Ile1463=]AGAFEIVTTN

ClinVar aggregate classification (germline): Likely benign. Review status: criteria provided, multiple submitters, no conflicts (2 of 4 stars). 2 submissions from 2 submitters: Likely benign (2). Last evaluated 2025-12-07.

Conditions:
CDH23-related disorder. Also called: CDH23-related condition; CDH23-related disorders.

Allele frequency attached by ClinVar (database versions not stated): ExAC 0.00001; gnomAD 0.00001; TOPMed 0.00001.
gnomAD v4.1: 14 of 1,613,020 alleles (0.00087%); highest among the groups gnomAD compares: East Asian, 0.0089%; no homozygotes.

Submissions (2):

Labcorp Genetics (formerly Invitae), Labcorp
Classification: Likely benign. Last evaluated: 2025-12-07. Review status: criteria provided, single submitter. Criteria: Invitae Variant Classification Sherloc (09022015). Collection method: clinical testing. Allele origin: germline.

PreventionGenetics, part of Exact Sciences
Classification: Likely benign for CDH23-related condition. Last evaluated: 2025-08-11. Review status: criteria provided, single submitter. Criteria: ACMG Guidelines, 2015. Collection method: clinical testing. Allele origin: germline.
Comment: This variant is classified as likely benign based on ACMG/AMP sequence variant interpretation guidelines (Richards et al. 2015 PMID: 25741868, with internal and published modifications).